The following is an entry in ClinVar:

ClinVar aggregate classification (germline): Uncertain significance. Review status: criteria provided, multiple submitters, no conflicts (2 of 4 stars). 6 submissions from 6 submitters: Uncertain significance (5). 1 of the submissions does not count toward it. Last evaluated 2024-05-12.

Conditions:
DCAF17-related disorder. Also called: DCAF17-related condition.
Woodhouse-Sakati syndrome. Also called: Hypogonadism, Alopecia, Diabetes Mellitus, Mental Retardation, and Extrapyramidal Syndrome; Hypogonadism, diabetes mellitus, alopecia, mental retardation and electrocardiographic abnormalities; EXTRAPYRAMIDAL DISORDER, PROGRESSIVE, WITH PRIMARY HYPOGONADISM, MENTAL RETARDATION, AND ALOPECIA. Identifiers: Orphanet 3464, MedGen C0342286, MONDO:0009419, OMIM 241080.

Allele frequency attached by ClinVar (database versions not stated): TOPMed 0.00050; gnomAD 0.00059 and 0.00064; 1000 Genomes Project 30x 0.00062; ESP Exome Variant Server 0.00066; ExAC 0.00068; gnomAD exomes 0.00075 and 0.00091; 1000 Genomes Project 0.00080.
gnomAD v4.1: 1,412 of 1,613,420 alleles (0.088%); highest among the groups gnomAD compares: South Asian, 0.13%; 2 homozygotes.

Submissions (6):

GeneDx
Classification: Uncertain significance. Last evaluated: 2024-05-12. Review status: criteria provided, single submitter. Criteria: GeneDx Variant Classification Process June 2021. Collection method: clinical testing. Allele origin: germline. Affected: yes.
Comment: In silico analysis indicates that this missense variant does not alter protein structure/function; Has not been previously published as pathogenic or benign to our knowledge

Labcorp Genetics (formerly Invitae), Labcorp
Classification: Uncertain significance for Woodhouse-Sakati syndrome. Last evaluated: 2022-10-13. Review status: criteria provided, single submitter. Criteria: Invitae Variant Classification Sherloc (09022015). Collection method: clinical testing. Allele origin: germline.
Comment: This sequence change replaces alanine, which is neutral and non-polar, with threonine, which is neutral and polar, at codon 242 of the DCAF17 protein (p.Ala242Thr). This variant is present in population databases (rs149650431, gnomAD 0.2%), and has an allele count higher than expected for a pathogenic variant. This variant has not been reported in the literature in individuals affected with DCAF17-related conditions. ClinVar contains an entry for this variant (Variation ID: 444538). Advanced modeling of protein sequence and biophysical properties (such as structural, functional, and spatial information, amino acid conservation, physicochemical variation, residue mobility, and thermodynamic stability) performed at Invitae indicates that this missense variant is not expected to disrupt DCAF17 protein function. In summary, the available evidence is currently insufficient to determine the role of this variant in disease. Therefore, it has been classified as a Variant of Uncertain Significance.

Department of Pathology and Laboratory Medicine, Sinai Health System
Classification: Uncertain significance for Woodhouse-Sakati syndrome. Last evaluated: 2021-09-30. Review status: criteria provided, single submitter. Criteria: ACMG Guidelines, 2015. Collection method: research. Allele origin: germline.

Illumina Laboratory Services, Illumina
Classification: Uncertain significance for Woodhouse-Sakati syndrome. Last evaluated: 2018-01-13. Review status: criteria provided, single submitter. Criteria: ICSL Variant Classification Criteria 13 December 2019. Collection method: clinical testing. Allele origin: germline.

CeGaT Center for Human Genetics Tuebingen
Classification: Uncertain significance. Last evaluated: 2017-06-01. Review status: criteria provided, single submitter. Criteria: CeGaT Center For Human Genetics Tuebingen Variant Classification Criteria Version 2. Collection method: clinical testing. Allele origin: germline. Affected: yes. Observed: 1 variant allele.

PreventionGenetics, part of Exact Sciences
Classification: Likely benign for DCAF17-related condition. Last evaluated: 2023-03-16. Review status: no assertion criteria provided. Collection method: clinical testing. Allele origin: germline. Not counted in ClinVar's aggregate classification.
Comment: This variant is classified as likely benign based on ACMG/AMP sequence variant interpretation guidelines (Richards et al. 2015 PMID: 25741868, with internal and published modifications).

NM_025000.4(DCAF17):c.724G>A (p.Ala242Thr)

Gene: DCAF17 (DDB1 and CUL4 associated factor 17; plus strand). Cytogenetic location: 2q31.1.
Variant type: single nucleotide variant.
Coding change: c.724G>A on transcript NM_025000.4 (MANE Select); coding-DNA position 724, G replaced by A.
Protein change: p.Ala242Thr; replaces alanine 242 with threonine.
Molecular consequence: missense variant. On other transcripts: non-coding transcript variant (1).
Genome position (GRCh38, 1-based): chr2:171,458,067, G>A. VCF-style: chr2-171458067-G-A. GRCh37 (hg19) VCF-style: chr2-172314577-G-A.
Other names: c.724G>A, p.Ala242Thr (NM_001164821.2); short protein forms A242T.
Identifiers: ClinVar variation 444538 (VCV000444538.52), dbSNP rs149650431, ClinGen allele CA1964761.